The following is an entry in ClinVar:

NM_002381.5(MATN3):c.90del (p.Val31fs)

Gene: MATN3 (matrilin 3; minus strand). Cytogenetic location: 2p24.1.
Variant type: Deletion.
Coding change: c.90del on transcript NM_002381.5 (MANE Select); coding-DNA position 90, one base deleted (C; older notation c.90delC).
Protein change: p.Val31fs; shifts the reading frame from valine 31.
Molecular consequence: frameshift variant.
Genome position (GRCh38, 1-based): chr2:20,012,542, G deleted on the plus strand (C on the coding strand, the reverse complement: MATN3 is on the minus strand); the first of 4 consecutive G bases (chr2:20,012,542-20,012,545); deleting any one gives the same sequence. VCF-style (leftmost placement, unchanged base first): chr2-20012541-CG-C. GRCh37 (hg19) VCF-style: chr2-20212302-CG-C.
Other names: short protein forms V31fs.
Identifiers: ClinVar variation 3627521 (VCV003627521.2).
Genomic context (GRCh38, chr2:20,012,541, plus strand): 5'-GGCGTCCAGGGCTGCCCCCGGGACCTCGGGTCTCCAGCCTCCGGAAGCCCGGGCGGGCCA[CG>C]GGGTCGGGGGCGGCGGAGGGCAGCAGCAGCAGCGGCCAGAGCAGCAGGAGGAGTCCCGGG-3'

ClinVar aggregate classification (germline): Uncertain significance (1 of 4 stars; one submission).

Submission:

Labcorp Genetics (formerly Invitae), Labcorp
Classification: Uncertain significance. Last evaluated: 2024-02-14. Review status: criteria provided, single submitter. Criteria: Invitae Variant Classification Sherloc (09022015). Collection method: clinical testing. Allele origin: germline.
Comment: This sequence change creates a premature translational stop signal (p.Val31Trpfs*72) in the MATN3 gene. It is expected to result in an absent or disrupted protein product. However, the current clinical and genetic evidence is not sufficient to establish whether loss-of-function variants in MATN3 cause disease. This variant is not present in population databases (gnomAD no frequency). This variant has not been reported in the literature in individuals affected with MATN3-related conditions. In summary, the available evidence is currently insufficient to determine the role of this variant in disease. Therefore, it has been classified as a Variant of Uncertain Significance.